The following is an entry in ClinVar:

ClinVar aggregate classification (germline): Uncertain significance (1 of 4 stars; one submission).

Allele frequency attached by ClinVar (database versions not stated): gnomAD exomes below 0.00001; TOPMed below 0.00001.
gnomAD v4.1: 4 of 1,614,158 alleles (0.00025%); highest among the groups gnomAD compares: Non-Finnish European, 0.00034%; no homozygotes.

Submission:

CeGaT Center for Human Genetics Tuebingen
Classification: Uncertain significance. Last evaluated: 2023-01-01. Review status: criteria provided, single submitter. Criteria: CeGaT Center For Human Genetics Tuebingen Variant Classification Criteria Version 2. Collection method: clinical testing. Allele origin: germline. Affected: yes. Observed: 1 variant allele.
Comment: ELN: PM2

NM_000501.4(ELN):c.661T>C (p.Tyr221His)

Gene: ELN (elastin; plus strand). Cytogenetic location: 7q11.23.
Variant type: single nucleotide variant.
Coding change: c.661T>C on transcript NM_000501.4 (MANE Select); coding-DNA position 661, T replaced by C.
Protein change: p.Tyr221His; replaces tyrosine 221 with histidine.
Molecular consequence: missense variant. On other transcripts: intron variant (2).
Genome position (GRCh38, 1-based): chr7:74,047,692, T>C. VCF-style: chr7-74047692-T-C. GRCh37 (hg19) VCF-style: chr7-73462022-T-C.
Other names: c.631T>C, p.Tyr211His (NM_001081752.3, NM_001278917.2); c.676T>C, p.Tyr226His (NM_001081753.3, NM_001081754.3); c.661T>C, p.Tyr221His (NM_001081755.3, NM_001278912.2, NM_001278915.2 and 1 more transcripts); c.646T>C, p.Tyr216His (NM_001278914.2); c.529T>C, p.Tyr177His (NM_001278918.2); c.644-450T>C (NM_001278916.2); c.578-450T>C (NM_001278913.2); short protein forms Y177H, Y211H, Y216H, Y221H, Y226H.
Identifiers: ClinVar variation 2657577 (VCV002657577.24), dbSNP rs1792897806, ClinGen allele CA367870393.
Genomic context (GRCh38, chr7:74,047,692, plus strand): 5'-AAGGCATGGGGCAGCCCCTGAGTTTGCTCTGTCCTCTCTCCAGGTGGCTATGGACTGCCC[T>C]ACACCACAGGGAAACTGCCCTATGGTGAGTGAGACCCTTCTAGACTGTGGGCTTCCAGCT-3'
Protein context (NP_000492.2, residues 211-231): PKLPGGYGLP[Tyr221His]TTGKLPYGYG